The following is an entry in ClinVar:

ClinVar aggregate classification (germline): Likely benign. Review status: criteria provided, multiple submitters, no conflicts (2 of 4 stars). 6 submissions from 5 submitters: Likely benign (6). Last evaluated 2026-01-14.

Conditions:
Retinitis pigmentosa 39 (RP39). Identifiers: Orphanet 791, MedGen C3151138, MONDO:0013436, OMIM 613809.
USH2A-related disorder. Also called: USH2A-related disorders; USH2A-related condition. Identifiers: MedGen CN239332.
Usher syndrome type 2A. Also called: RETINAL DISEASE IN USHER SYNDROME TYPE IIA, MODIFIER OF; USHER SYNDROME, TYPE IIA. Identifiers: Orphanet 231178, Orphanet 886, MedGen C1848634, MONDO:0010169, OMIM 276901.

Allele frequency attached by ClinVar (database versions not stated): gnomAD 0.00006; ESP Exome Variant Server 0.00015; 1000 Genomes Project 30x 0.00016; TOPMed 0.00027.
gnomAD v4.1: 50 of 1,614,036 alleles (0.0031%); highest among the groups gnomAD compares: African/African-American, 0.024%; no homozygotes.

Submissions (6):

Labcorp Genetics (formerly Invitae), Labcorp
Classification: Likely benign. Last evaluated: 2026-01-14. Review status: criteria provided, single submitter. Criteria: Invitae Variant Classification Sherloc (09022015). Collection method: clinical testing. Allele origin: germline.

PreventionGenetics, part of Exact Sciences
Classification: Likely benign for USH2A-related condition. Last evaluated: 2024-11-26. Review status: criteria provided, single submitter. Criteria: ACMG Guidelines, 2015. Collection method: clinical testing. Allele origin: germline.
Comment: This variant is classified as likely benign based on ACMG/AMP sequence variant interpretation guidelines (Richards et al. 2015 PMID: 25741868, with internal and published modifications).

Genome-Nilou Lab
Classification: Likely benign for Retinitis pigmentosa 39. Last evaluated: 2023-11-04. Review status: criteria provided, single submitter. Criteria: ACMG Guidelines, 2015. Collection method: clinical testing. Allele origin: germline. Affected: no.

Genome-Nilou Lab
Classification: Likely benign for Usher syndrome type 2A. Last evaluated: 2023-11-04. Review status: criteria provided, single submitter. Criteria: ACMG Guidelines, 2015. Collection method: clinical testing. Allele origin: germline. Affected: no.

Blueprint Genetics
Classification: Likely benign. Last evaluated: 2023-09-11. Review status: criteria provided, single submitter. Criteria: ACMG Guidelines, 2015. Collection method: clinical testing. Allele origin: germline.

GeneDx
Classification: Likely benign. Last evaluated: 2020-01-30. Review status: criteria provided, single submitter. Criteria: GeneDx Variant Classification Process June 2021. Collection method: clinical testing. Allele origin: germline. Affected: yes.

NM_206933.4(USH2A):c.12624C>T (p.Asp4208=)

Gene: USH2A (usherin; minus strand). Cytogenetic location: 1q41.
Variant type: single nucleotide variant.
Coding change: c.12624C>T on transcript NM_206933.4 (MANE Select); coding-DNA position 12624, C replaced by T.
Protein change: p.Asp4208=; no amino-acid change (aspartic acid 4208 retained).
Molecular consequence: synonymous variant.
Genome position (GRCh38, 1-based): chr1:215,675,287, G>A on the plus strand (C>T on the coding strand, the complement: USH2A is on the minus strand). VCF-style: chr1-215675287-G-A. GRCh37 (hg19) VCF-style: chr1-215848629-G-A.
Identifiers: ClinVar variation 680232 (VCV000680232.14), dbSNP rs375223901, ClinGen allele CA1393435.
Genomic context (GRCh38, chr1:215,675,287, plus strand): 5'-TGTGTCATTATACATAAATGTATTCCTTTCAGTGTTATATTCTGTGAAAACAATTTTCTC[G>A]TCGGCCTGGATTGTCTGATTTCCCCAAGCTTTTCCCTCGAAGCATCTGCGAATCACTTCA-3'
Protein context (NP_996816.3, residues 4198-4218): KAWGNQTIQA[Asp4208=]EKIVFTEYNT